The following is an entry in ClinVar:

NM_005633.4(SOS1):c.3563C>T (p.Thr1188Ile)

Gene: SOS1 (SOS Ras/Rac guanine nucleotide exchange factor 1; minus strand). Cytogenetic location: 2p22.1.
Variant type: single nucleotide variant.
Coding change: c.3563C>T on transcript NM_005633.4 (MANE Select); coding-DNA position 3563, C replaced by T.
Protein change: p.Thr1188Ile; replaces threonine 1188 with isoleucine.
Molecular consequence: missense variant.
Genome position (GRCh38, 1-based): chr2:38,986,263, G>A on the plus strand (C>T on the coding strand, the complement: SOS1 is on the minus strand). VCF-style: chr2-38986263-G-A. GRCh37 (hg19) VCF-style: chr2-39213404-G-A.
Other names: c.3542C>T, p.Thr1181Ile (NM_001382394.1); c.3518C>T, p.Thr1173Ile (NM_001382395.1); short protein forms T1173I, T1181I, T1188I.
Identifiers: ClinVar variation 2167878 (VCV002167878.5), dbSNP rs1668558414, ClinGen allele CA346362872.

ClinVar aggregate classification (germline): Uncertain significance. Review status: criteria provided, multiple submitters, no conflicts (2 of 4 stars). 2 submissions from 2 submitters: Uncertain significance (2). Last evaluated 2025-12-23.

Conditions:
SOS1-related disorder. Also called: SOS1-related condition.
RASopathy. Also called: Noonan spectrum disorder; rasopathies. Identifiers: Orphanet 536391, MedGen C5555857, MONDO:0021060.

Submissions (2):

PreventionGenetics, part of Exact Sciences
Classification: Uncertain significance for SOS1-related condition. Last evaluated: 2025-12-23. Review status: criteria provided, single submitter. Criteria: ACMG Guidelines, 2015. Collection method: clinical testing. Allele origin: germline.
Comment: The SOS1 c.3563C>T variant is predicted to result in the amino acid substitution p.Thr1188Ile. To our knowledge, this variant has not been reported in the literature or in a large population database (gnomAD), indicating this variant is rare. At this time, the clinical significance of this variant is uncertain due to the absence of conclusive functional and genetic evidence.

Labcorp Genetics (formerly Invitae), Labcorp
Classification: Uncertain significance for RASopathy. Last evaluated: 2024-10-14. Review status: criteria provided, single submitter. Criteria: Invitae Variant Classification Sherloc (09022015). Collection method: clinical testing. Allele origin: germline.
Comment: This sequence change replaces threonine, which is neutral and polar, with isoleucine, which is neutral and non-polar, at codon 1188 of the SOS1 protein (p.Thr1188Ile). This variant is not present in population databases (gnomAD no frequency). This variant has not been reported in the literature in individuals affected with SOS1-related conditions. ClinVar contains an entry for this variant (Variation ID: 2167878). Invitae Evidence Modeling of protein sequence and biophysical properties (such as structural, functional, and spatial information, amino acid conservation, physicochemical variation, residue mobility, and thermodynamic stability) indicates that this missense variant is not expected to disrupt SOS1 protein function with a negative predictive value of 95%. In summary, the available evidence is currently insufficient to determine the role of this variant in disease. Therefore, it has been classified as a Variant of Uncertain Significance.